The following is an entry in ClinVar:

NM_004006.3(DMD):c.2872T>A (p.Ser958Thr)

Gene: DMD (dystrophin; minus strand). Cytogenetic location: Xp21.1.
Variant type: single nucleotide variant.
Coding change: c.2872T>A on transcript NM_004006.3 (MANE Select); coding-DNA position 2872, T replaced by A.
Protein change: p.Ser958Thr; replaces serine 958 with threonine.
Molecular consequence: missense variant.
Genome position (GRCh38, 1-based): chrX:32,472,241, A>T on the plus strand (T>A on the coding strand, the complement: DMD is on the minus strand). VCF-style: chrX-32472241-A-T. GRCh37 (hg19) VCF-style: chrX-32490358-A-T.
Other names: c.2848T>A, p.Ser950Thr (NM_000109.4); c.2860T>A, p.Ser954Thr (NM_004009.3); c.2503T>A, p.Ser835Thr (NM_004010.3); short protein forms S958T, S954T, S835T, S950T.
Identifiers: ClinVar variation 2127736 (VCV002127736.4), dbSNP rs2524677282, ClinGen allele CA412668094.

ClinVar aggregate classification (germline): Uncertain significance (1 of 4 stars; one submission).

Conditions:
Duchenne muscular dystrophy (DMD). Also called: MUSCULAR DYSTROPHY, PSEUDOHYPERTROPHIC PROGRESSIVE, DUCHENNE TYPE; Duchenne Muscular Dystrophy (DMD). Identifiers: Orphanet 98896, MedGen C0013264, MONDO:0010679, OMIM 310200.

Submission:

Labcorp Genetics (formerly Invitae), Labcorp
Classification: Uncertain significance for Duchenne muscular dystrophy. Last evaluated: 2025-10-02. Review status: criteria provided, single submitter. Criteria: Invitae Variant Classification Sherloc (09022015). Collection method: clinical testing. Allele origin: germline.
Comment: This sequence change replaces serine, which is neutral and polar, with threonine, which is neutral and polar, at codon 958 of the DMD protein (p.Ser958Thr). This variant is not present in population databases (gnomAD no frequency). This variant has not been reported in the literature in individuals affected with DMD-related conditions. ClinVar contains an entry for this variant (Variation ID: 2127736). Invitae Evidence Modeling of protein sequence and biophysical properties (such as structural, functional, and spatial information, amino acid conservation, physicochemical variation, residue mobility, and thermodynamic stability) indicates that this missense variant is not expected to disrupt DMD protein function with a negative predictive value of 95%. In summary, the available evidence is currently insufficient to determine the role of this variant in disease. Therefore, it has been classified as a Variant of Uncertain Significance.